The following is an entry in ClinVar:

NM_013435.3(RAX):c.697G>T (p.Gly233Trp)

Genes: RAX (retina and anterior neural fold homeobox; minus strand), LOC130062601 (ATAC-STARR-seq lymphoblastoid silent region 9492; plus strand). Cytogenetic location: 18q21.32.
Variant type: single nucleotide variant.
Coding change: c.697G>T on transcript NM_013435.3 (MANE Select); coding-DNA position 697, G replaced by T.
Protein change: p.Gly233Trp; replaces glycine 233 with tryptophan.
Molecular consequence: missense variant.
Genome position (GRCh38, 1-based): chr18:59,269,348, C>A on the plus strand (G>T on the coding strand, the complement: RAX is on the minus strand). VCF-style: chr18-59269348-C-A. GRCh37 (hg19) VCF-style: chr18-56936580-C-A.
Other names: short protein forms G233W.
Identifiers: ClinVar variation 645205 (VCV000645205.9), dbSNP rs1030481316, ClinGen allele CA300981484.

ClinVar aggregate classification (germline): Uncertain significance (1 of 4 stars; one submission).

Conditions:
Isolated microphthalmia 3 (MCOPS16). Also called: MICROPHTHALMIA, SYNDROMIC 16. Identifiers: Orphanet 2542, MedGen C5774181, MONDO:0012604, OMIM 611038.

Allele frequency attached by ClinVar (database versions not stated): TOPMed 0.00004.

Submission:

Labcorp Genetics (formerly Invitae), Labcorp
Classification: Uncertain significance for Isolated microphthalmia 3. Last evaluated: 2018-08-17. Review status: criteria provided, single submitter. Criteria: Invitae Variant Classification Sherloc (09022015). Collection method: clinical testing. Allele origin: germline.
Comment: This sequence change replaces glycine with tryptophan at codon 233 of the RAX protein (p.Gly233Trp). The glycine residue is moderately conserved and there is a large physicochemical difference between glycine and tryptophan. While this variant is not present in population databases, the frequency information is unreliable, as metrics indicate poor data quality at this position in the ExAC database. This variant has not been reported in the literature in individuals with RAX-related disease. Algorithms developed to predict the effect of missense changes on protein structure and function are either unavailable or do not agree on the potential impact of this missense change (SIFT: "Deleterious"; PolyPhen-2: "Probably Damaging"; Align-GVGD: "Class C0"). In summary, the available evidence is currently insufficient to determine the role of this variant in disease. Therefore, it has been classified as a Variant of Uncertain Significance.